The following is an entry in ClinVar:

ClinVar aggregate classification (germline): Uncertain significance (1 of 4 stars; one submission).

Conditions:
Hereditary spastic paraplegia 61. Also called: Spastic paraplegia 61, autosomal recessive. Identifiers: Orphanet 401780, MedGen C3810294, MONDO:0014304, OMIM 615685.

Submission:

Laboratorio de Genetica e Diagnostico Molecular, Hospital Israelita Albert Einstein
Classification: Uncertain significance for Hereditary spastic paraplegia 61. Last evaluated: 2024-06-11. Review status: criteria provided, single submitter. Criteria: ACMG Guidelines, 2015. Collection method: clinical testing. Allele origin: germline. Affected: yes.
Comment: ACMG classification criteria: PM2 supporting, BP4 supporting

NM_015161.3(ARL6IP1):c.25A>G (p.Thr9Ala)

Genes: ARL6IP1 (ARL6 interacting reticulophagy regulator 1; minus strand), LOC130058582 (ATAC-STARR-seq lymphoblastoid active region 10520; plus strand). Cytogenetic location: 16p12.3.
Variant type: single nucleotide variant.
Coding change: c.25A>G on transcript NM_015161.3 (MANE Select); coding-DNA position 25, A replaced by G.
Protein change: p.Thr9Ala; replaces threonine 9 with alanine.
Molecular consequence: missense variant.
Genome position (GRCh38, 1-based): chr16:18,801,442, T>C on the plus strand (A>G on the coding strand, the complement: ARL6IP1 is on the minus strand). VCF-style: chr16-18801442-T-C. GRCh37 (hg19) VCF-style: chr16-18812764-T-C.
Other names: short protein forms T9A.
Identifiers: ClinVar variation 3900990 (VCV003900990.1).
Genomic context (GRCh38, chr16:18,801,442, plus strand): 5'-CGTCTGGAGGCCTCGCTCGGCTCCCGGGGGACAGGCAGCCAGGACTCACCAGCAGGTTGG[T>C]GCTGCGATTATCTCCCTCCGCCATCGTCTCGGGGATGCAGTCTCTACAAGCGCAGGCCAC-3'
Protein context (NP_055976.1, residues 1-19): MAEGDNRS[Thr9Ala]NLLAAETASL